The following is an entry in ClinVar:

NM_001040108.2(MLH3):c.3928G>C (p.Glu1310Gln)

Gene: MLH3 (mutL homolog 3; minus strand). Cytogenetic location: 14q24.3.
Variant type: single nucleotide variant.
Coding change: c.3928G>C on transcript NM_001040108.2 (MANE Select); coding-DNA position 3928, G replaced by C.
Protein change: p.Glu1310Gln; replaces glutamic acid 1310 with glutamine.
Molecular consequence: missense variant.
Genome position (GRCh38, 1-based): chr14:75,030,602, C>G on the plus strand (G>C on the coding strand, the complement: MLH3 is on the minus strand). VCF-style: chr14-75030602-C-G. GRCh37 (hg19) VCF-style: chr14-75497305-C-G.
Other names: c.3856G>C, p.Glu1286Gln (NM_014381.3); short protein forms E1310Q, E1286Q.
Identifiers: ClinVar variation 1370832 (VCV001370832.6), dbSNP rs1595050855, ClinGen allele CA390422689.
Genomic context (GRCh38, chr14:75,030,602, plus strand): 5'-CCTCCACAATACTCTTGGTCACAGTAGATCTTCCTCTCCGAAGTTCATTGGCTTCTCTTT[C>G]CACAAAACATAGTGGTACTTTTCCCACAAGGACCAGAGAATCACTAGTGTCTGGAAATAC-3'
Protein context (NP_001035197.1, residues 1300-1320): LVGKVPLCFV[Glu1310Gln]REANELRRGR

ClinVar aggregate classification (germline): Uncertain significance (1 of 4 stars; one submission).

Conditions:
Colorectal cancer, hereditary nonpolyposis, type 7. Identifiers: Orphanet 144, MedGen C1858380, MONDO:0013725, OMIM 614385.

Submission:

Labcorp Genetics (formerly Invitae), Labcorp
Classification: Uncertain significance for Colorectal cancer, hereditary nonpolyposis, type 7. Last evaluated: 2021-07-29. Review status: criteria provided, single submitter. Criteria: Invitae Variant Classification Sherloc (09022015). Collection method: clinical testing. Allele origin: germline.
Comment: In summary, the available evidence is currently insufficient to determine the role of this variant in disease. Therefore, it has been classified as a Variant of Uncertain Significance. Algorithms developed to predict the effect of missense changes on protein structure and function are either unavailable or do not agree on the potential impact of this missense change (SIFT: "Deleterious"; PolyPhen-2: "Possibly Damaging"; Align-GVGD: "Class C0"). This variant has not been reported in the literature in individuals affected with MLH3-related conditions. This variant is not present in population databases (ExAC no frequency). This sequence change replaces glutamic acid with glutamine at codon 1310 of the MLH3 protein (p.Glu1310Gln). The glutamic acid residue is highly conserved and there is a small physicochemical difference between glutamic acid and glutamine.